The following is an entry in ClinVar:

ClinVar aggregate classification (germline): Conflicting classifications of pathogenicity. Review status: criteria provided, conflicting classifications (1 of 4 stars). 8 submissions from 8 submitters: Uncertain significance (4); Benign (1); Likely benign (2). 1 of the submissions does not count toward it. Last evaluated 2026-01-27.

Conditions:
Cardiomyopathy (CMYO). Also called: Cardiomyopathies. Identifiers: Orphanet 167848, MedGen C0878544, MONDO:0004994, HP:0001638. Inheritance: Various modes of inheritance.
Catecholaminergic polymorphic ventricular tachycardia 1. Also called: RYR2-Related Catecholaminergic Polymorphic Ventricular Tachycardia; VENTRICULAR TACHYCARDIA, CATECHOLAMINERGIC POLYMORPHIC, 1, WITH OR WITHOUT ATRIAL DYSFUNCTION AND/OR DILATED CARDIOMYOPATHY; VENTRICULAR TACHYCARDIA, STRESS-INDUCED POLYMORPHIC 1. Identifiers: Orphanet 3286, MedGen C1631597, MONDO:0011484, OMIM 604772.

Submissions (8):

Women's Health and Genetics/Laboratory Corporation of America, LabCorp
Classification: Benign. Last evaluated: 2026-01-27. Review status: criteria provided, single submitter. Criteria: LabCorp Variant Classification Summary - May 2015. Collection method: clinical testing. Allele origin: germline.
Comment: Variant summary: RYR2 c.14757-7_14757-6delinsAT alters a nucleotide located at a position not widely known to affect splicing. Consensus agreement among computation tools predict no significant impact on normal splicing. However, these predictions have yet to be confirmed by functional studies. The variant allele was found as a combination of 1-237994807-T-A (c.14757-7T>A) and 1-237994808-C-T (c.14757-6C>T) at a frequency of 0.00021 in 275638 control chromosomes, predominantly at a frequency of 0.00042 within the Non-Finnish European subpopulation in the gnomAD database. The observed variant frequency within Non-Finnish European control individuals in the gnomAD database exceeds the estimated maximal expected allele frequency for disease-causing variants in RYR2. c.14757-7_14757-6delinsAT has been observed in at least 3 individuals with catecholaminergic polymorphic ventricular tachycardia (CPVT) and/or sudden death (e.g. Tan_2005, Hofman_2010, vanderWerf_2012), but was also found in unaffected family members (e.g. Hofman_2010), and segregation with disease was not clear. Similarly, the variant was also reported in a family with dilated cardiomyopathy, but was found in 2/3 affected individuals and 2/5 unaffected individuals and thus did not segregate with disease (Minoche_2019). These reports do not provide unequivocal conclusions about association of the variant with RYR2-related conditions. To our knowledge, no experimental evidence demonstrating an impact on protein function has been reported. The following publications have been ascertained in the context of this evaluation (PMID: 20513597, 29961767, 15998675, 22787013). ClinVar contains an entry for this variant (Variation ID: 179105). Based on the evidence outlined above, the variant was classified as benign.

Labcorp Genetics (formerly Invitae), Labcorp
Classification: Likely benign for Catecholaminergic polymorphic ventricular tachycardia 1. Last evaluated: 2026-01-12. Review status: criteria provided, single submitter. Criteria: Invitae Variant Classification Sherloc (09022015). Collection method: clinical testing. Allele origin: germline.

CeGaT Center for Human Genetics Tuebingen
Classification: Uncertain significance. Last evaluated: 2025-08-01. Review status: criteria provided, single submitter. Criteria: CeGaT Center For Human Genetics Tuebingen Variant Classification Criteria Version 2. Collection method: clinical testing. Allele origin: germline. Affected: yes. Observed: 1 variant allele.

CHEO Genetics Diagnostic Laboratory, Children's Hospital of Eastern Ontario
Classification: Uncertain significance for Cardiomyopathy. Last evaluated: 2021-07-20. Review status: criteria provided, single submitter. Criteria: ACMG Guidelines, 2015. Collection method: clinical testing. Allele origin: germline.

Color Diagnostics, LLC DBA Color Health
Classification: Likely benign for Cardiomyopathy. Last evaluated: 2018-10-26. Review status: criteria provided, single submitter. Criteria: ACMG Guidelines, 2015. Collection method: clinical testing. Allele origin: germline.

Eurofins Ntd Llc (ga)
Classification: Uncertain significance. Last evaluated: 2017-03-30. Review status: criteria provided, single submitter. Criteria: EGL Classification Definitions 2015. Collection method: clinical testing. Allele origin: germline. Observed: 1 variant allele, 1 heterozygote.

Laboratory for Molecular Medicine, Mass General Brigham Personalized Medicine
Classification: Uncertain significance. Last evaluated: 2013-08-11. Review status: criteria provided, single submitter. Criteria: LMM Criteria. Collection method: clinical testing. Allele origin: germline. Observed: 1 variant allele.
Comment: The 14757-7_14757-6delinsAT variant in RYR2 has been reported in 3 individuals w ith CPVT or sudden death (Tan 2005, Hofman 2010, van der Werf 2012), though 1 in dividual carried other variants of unknown significance and in another family, a t least 4 relatives carried the variant and were unaffected (ages not specified) . This variant is located in the 3' splice region. Computational tools do not su ggest an impact to splicing, though this information is not predictive enough to determine pathogenicity. While the presence of this variant in multiple affecte d individuals suggests that it may play a role in disease, the presence in multi ple unaffected relatives brings into question its ability to cause disease in is olation. In summary, additional information is needed to fully assess the clinic al significance of this variant.

Clinical Genetics DNA and cytogenetics Diagnostics Lab, Erasmus MC, Erasmus Medical Center
Classification: Uncertain significance. Review status: no assertion criteria provided. Collection method: clinical testing. Allele origin: germline. Affected: yes. Study: VKGL Data-share Consensus. Not counted in ClinVar's aggregate classification.

Literature cited by the submitters: PubMed 22787013 (cited by Women's Health and Genetics/Laboratory Corporation of America, LabCorp and Laboratory for Molecular Medicine, Mass General Brigham Personalized Medicine); PubMed 20513597 (cited by Women's Health and Genetics/Laboratory Corporation of America, LabCorp and Laboratory for Molecular Medicine, Mass General Brigham Personalized Medicine); PubMed 15998675 (cited by Women's Health and Genetics/Laboratory Corporation of America, LabCorp and Laboratory for Molecular Medicine, Mass General Brigham Personalized Medicine); PubMed 29961767 (cited by Women's Health and Genetics/Laboratory Corporation of America, LabCorp).

NM_001035.3(RYR2):c.14757-7_14757-6delinsAT

Gene: RYR2 (ryanodine receptor 2; plus strand). Cytogenetic location: 1q43.
Variant type: Indel.
Coding change: c.14757-7_14757-6delinsAT on transcript NM_001035.3 (MANE Select); 7 bases into the intron before coding-DNA position 14757 through 6 bases into the intron before coding-DNA position 14757, TC replaced by AT.
Molecular consequence: intron variant.
Genome position (GRCh38, 1-based): chr1:237,831,507-237,831,508, TC replaced by AT. VCF-style: chr1-237831507-TC-AT. GRCh37 (hg19) VCF-style: chr1-237994807-TC-AT.
Identifiers: ClinVar variation 179105 (VCV000179105.38), dbSNP rs727504630, ClinGen allele CA183745.